The following is an entry in ClinVar:

ClinVar aggregate classification (germline): Likely benign. Review status: criteria provided, multiple submitters, no conflicts (2 of 4 stars). 2 submissions from 2 submitters: Likely benign (2). Last evaluated 2025-06-01.

Allele frequency attached by ClinVar (database versions not stated): 1000 Genomes Project 0.00100; 1000 Genomes Project 30x 0.00109; ExAC 0.00151; gnomAD 0.00182; TOPMed 0.00203; ESP Exome Variant Server 0.00209; gnomAD exomes 0.00240.
gnomAD v4.1: 3,764 of 1,613,348 alleles (0.23%); highest among the groups gnomAD compares: Non-Finnish European, 0.29%; 9 homozygotes.

Submissions (2):

CeGaT Center for Human Genetics Tuebingen
Classification: Likely benign. Last evaluated: 2025-06-01. Review status: criteria provided, single submitter. Criteria: CeGaT Center For Human Genetics Tuebingen Variant Classification Criteria Version 2. Collection method: clinical testing. Allele origin: germline. Affected: yes. Observed: 2 variant alleles.
Comment: DST: BP4

Blueprint Genetics
Classification: Likely benign. Last evaluated: 2023-02-22. Review status: criteria provided, single submitter. Criteria: ACMG Guidelines, 2015. Collection method: clinical testing. Allele origin: germline.

NM_001374736.1(DST):c.7758T>G (p.Ser2586Arg)

Gene: DST (dystonin; minus strand). Cytogenetic location: 6p12.1.
Variant type: single nucleotide variant.
Coding change: c.7758T>G on transcript NM_001374736.1 (MANE Select); coding-DNA position 7758, T replaced by G.
Protein change: p.Ser2586Arg; replaces serine 2586 with arginine.
Molecular consequence: missense variant. On other transcripts: intron variant (6).
Genome position (GRCh38, 1-based): chr6:56,606,870, A>C on the plus strand (T>G on the coding strand, the complement: DST is on the minus strand). VCF-style: chr6-56606870-A-C. GRCh37 (hg19) VCF-style: chr6-56471668-A-C.
Other names: c.4770+3557T>G (NM_001144770.2); c.4650+3557T>G (NM_001374730.1, NM_001386100.1, NM_183380.4); c.3672+3557T>G (NM_015548.5); c.7758T>G, p.Ser2586Arg (NM_001374722.1); c.7125T>G, p.Ser2375Arg (NM_001374729.1); c.7785T>G, p.Ser2595Arg (NM_001374734.1); c.5184+3557T>G (NM_001144769.5); short protein forms S2375R, S2586R, S2595R.
Identifiers: ClinVar variation 3024791 (VCV003024791.23), dbSNP rs184656197, ClinGen allele CA3869333.